The following is an entry in ClinVar:

NM_018669.6(WDR4):c.528G>A (p.Ala176=)

Gene: WDR4 (WDR4 tRNA N7-guanosine methyltransferase non-catalytic subunit; minus strand). Cytogenetic location: 21q22.3.
Variant type: single nucleotide variant.
Coding change: c.528G>A on transcript NM_018669.6 (MANE Select); coding-DNA position 528, G replaced by A.
Protein change: p.Ala176=; no amino-acid change (alanine 176 retained).
Molecular consequence: synonymous variant. On other transcripts: non-coding transcript variant (1).
Genome position (GRCh38, 1-based): chr21:42,862,320, C>T on the plus strand (G>A on the coding strand, the complement: WDR4 is on the minus strand). VCF-style: chr21-42862320-C-T. GRCh37 (hg19) VCF-style: chr21-44282430-C-T.
Other names: c.528G>A (NM_033661.4); c.528G>A, p.Ala176= (NM_001260474.2, NM_033661.5); c.90G>A, p.Ala30= (NM_001260475.2, NM_001260476.2, NM_001260477.2 and 1 more transcripts).
Identifiers: ClinVar variation 2055098 (VCV002055098.6), dbSNP rs376665509, ClinGen allele CA10046067.
Genomic context (GRCh38, chr21:42,862,320, plus strand): 5'-AGGGGCAGGAAGGGGCACTCACTCTGTGTGCCCCAAGCAGAAGGACTCGATGCTATGGGG[C>T]GCCGCGGCCCAGCTGACTCGGATCTTCTCGTCCCGGTCGGCAGTGAGGATGAAGCGGTCA-3'
Protein context (NP_061139.2, residues 166-186): DEKIRVSWAA[Ala176=]PHSIESFCLG

ClinVar aggregate classification (germline): Likely benign. Review status: criteria provided, single submitter (1 of 4 stars). 2 submissions from 2 submitters: Likely benign (1). 1 of the submissions does not count toward it. Last evaluated 2024-12-04.

Conditions:
WDR4-related disorder. Also called: WDR4-related condition; WDR4-Related Disorders.

Allele frequency attached by ClinVar (database versions not stated): ExAC 0.00015; gnomAD 0.00016; ESP Exome Variant Server 0.00008.
gnomAD v4.1: 105 of 1,611,422 alleles (0.0065%); highest among the groups gnomAD compares: Middle Eastern, 0.017%; no homozygotes.

Submissions (2):

Labcorp Genetics (formerly Invitae), Labcorp
Classification: Likely benign. Last evaluated: 2024-12-04. Review status: criteria provided, single submitter. Criteria: Invitae Variant Classification Sherloc (09022015). Collection method: clinical testing. Allele origin: germline.

PreventionGenetics, part of Exact Sciences
Classification: Likely benign for WDR4-related condition. Last evaluated: 2022-12-20. Review status: no assertion criteria provided. Collection method: clinical testing. Allele origin: germline. Not counted in ClinVar's aggregate classification.
Comment: This variant is classified as likely benign based on ACMG/AMP sequence variant interpretation guidelines (Richards et al. 2015 PMID: 25741868, with internal and published modifications).